The following is an entry in ClinVar:

ClinVar aggregate classification (germline): Uncertain significance (1 of 4 stars; one submission).

gnomAD v4.1: 1 of 1,613,828 alleles (0.000062%); highest among the groups gnomAD compares: Non-Finnish European, 0.000085%; no homozygotes.

Submission:

Labcorp Genetics (formerly Invitae), Labcorp
Classification: Uncertain significance. Last evaluated: 2024-08-05. Review status: criteria provided, single submitter. Criteria: Invitae Variant Classification Sherloc (09022015). Collection method: clinical testing. Allele origin: germline.
Comment: This sequence change replaces glycine, which is neutral and non-polar, with valine, which is neutral and non-polar, at codon 457 of the POC5 protein (p.Gly457Val). This variant is not present in population databases (gnomAD no frequency). This variant has not been reported in the literature in individuals affected with POC5-related conditions. An algorithm developed to predict the effect of missense changes on protein structure and function outputs the following: PolyPhen-2: "Benign". The valine amino acid residue is found in multiple mammalian species, which suggests that this missense change does not adversely affect protein function. Algorithms developed to predict the effect of sequence changes on RNA splicing suggest that this variant may create or strengthen a splice site. In summary, the available evidence is currently insufficient to determine the role of this variant in disease. Therefore, it has been classified as a Variant of Uncertain Significance.

NM_001099271.2(POC5):c.1370G>T (p.Gly457Val)

Gene: POC5 (POC5 centriolar protein; minus strand). Cytogenetic location: 5q13.3.
Variant type: single nucleotide variant.
Coding change: c.1370G>T on transcript NM_001099271.2 (MANE Select); coding-DNA position 1370, G replaced by T.
Protein change: p.Gly457Val; replaces glycine 457 with valine.
Molecular consequence: missense variant.
Genome position (GRCh38, 1-based): chr5:75,685,244, C>A on the plus strand (G>T on the coding strand, the complement: POC5 is on the minus strand). VCF-style: chr5-75685244-C-A. GRCh37 (hg19) VCF-style: chr5-74981069-C-A.
Other names: c.1295G>T, p.Gly432Val (NM_152408.3); short protein forms G432V, G457V.
Identifiers: ClinVar variation 3632624 (VCV003632624.2).